The following is an entry in ClinVar:

NM_178857.6(RP1L1):c.5304G>T (p.Met1768Ile)

Gene: RP1L1 (RP1 like 1). Cytogenetic location: 8p23.1.
Variant type: single nucleotide variant.
Coding change: c.5304G>T on transcript NM_178857.6 (MANE Select); coding-DNA position 5304, G replaced by T.
Protein change: p.Met1768Ile; replaces methionine 1768 with isoleucine.
Molecular consequence: missense variant.
Genome position (GRCh38, 1-based): chr8:10,608,794, C>A on the plus strand (G>T on the coding strand, the complement: RP1L1 is on the minus strand). VCF-style: chr8-10608794-C-A. GRCh37 (hg19) VCF-style: chr8-10466304-C-A.
Other names: short protein forms M1768I.
Identifiers: ClinVar variation 3947244 (VCV003947244.2).

ClinVar aggregate classification (germline): Uncertain significance. Review status: criteria provided, multiple submitters, no conflicts (2 of 4 stars). 2 submissions from 2 submitters: Uncertain significance (2). Last evaluated 2026-08-28.

Conditions:
RP1L1-related disorder. Also called: RP1L1-related condition.
Inborn genetic diseases. Identifiers: MedGen C0950123, MeSH D030342.

Submissions (2):

PreventionGenetics, part of Exact Sciences
Classification: Uncertain significance for RP1L1-related condition. Last evaluated: 2026-08-28. Review status: criteria provided, single submitter. Criteria: ACMG Guidelines, 2015. Collection method: clinical testing. Allele origin: germline.
Comment: The RP1L1 c.5304G>T variant is predicted to result in the amino acid substitution p.Met1768Ile. To our knowledge, this variant has not been reported in the literature. This variant is present in 0.0018% of alleles in individuals of European (Non-Finnish) descent in gnomAD. At this time, the clinical significance of this variant is uncertain due to the absence of conclusive functional and genetic evidence.

Ambry Genetics
Classification: Uncertain significance for Inborn genetic diseases. Last evaluated: 2025-03-22. Review status: criteria provided, single submitter. Criteria: Ambry Variant Classification Scheme 2023. Collection method: clinical testing. Allele origin: germline.